The following is an entry in ClinVar:

NM_000204.5(CFI):c.338G>A (p.Ser113Asn)

Gene: CFI (complement factor I; minus strand). Cytogenetic location: 4q25.
Variant type: single nucleotide variant.
Coding change: c.338G>A on transcript NM_000204.5 (MANE Select); coding-DNA position 338, G replaced by A.
Protein change: p.Ser113Asn; replaces serine 113 with asparagine.
Molecular consequence: missense variant. On other transcripts: non-coding transcript variant (3), intron variant (1).
Genome position (GRCh38, 1-based): chr4:109,764,681, C>T on the plus strand (G>A on the coding strand, the complement: CFI is on the minus strand). VCF-style: chr4-109764681-C-T. GRCh37 (hg19) VCF-style: chr4-110685837-C-T.
Other names: c.338G>A, p.Ser113Asn (NM_001318057.2, NM_001331035.2, NM_001375278.1 and 5 more transcripts); c.-127-2989G>A (NM_001375284.1); short protein forms S113N.
Identifiers: ClinVar variation 1413318 (VCV001413318.10), dbSNP rs150610189, ClinGen allele CA3042293.

ClinVar aggregate classification (germline): Uncertain significance. Review status: criteria provided, multiple submitters, no conflicts (2 of 4 stars). 4 submissions from 4 submitters: Uncertain significance (4). Last evaluated 2026-01-14.

Conditions:
Factor I deficiency (CFID). Also called: Complement factor I deficiency. Identifiers: Orphanet 200418, MedGen C3463916, MONDO:0012594, OMIM 610984.
Atypical hemolytic-uremic syndrome with I factor anomaly. Also called: HEMOLYTIC UREMIC SYNDROME, ATYPICAL, SUSCEPTIBILITY TO, 3; AHUS, SUSCEPTIBILITY TO, 3. Identifiers: Orphanet 2134, MedGen C2752039, MONDO:0013041, OMIM 612923.
Age related macular degeneration 13. Identifiers: MedGen C3809523, MONDO:0014189, OMIM 615439.
Atypical hemolytic-uremic syndrome. Identifiers: Orphanet 2134, MedGen C2931788, MONDO:0016244.

Allele frequency attached by ClinVar (database versions not stated): ExAC 0.00001; gnomAD exomes 0.00001 and 0.00002; gnomAD 0.00011 and 0.00012.
gnomAD v4.1: 26 of 1,613,296 alleles (0.0016%); highest among the groups gnomAD compares: African/African-American, 0.032%; no homozygotes.

Submissions (4):

Labcorp Genetics (formerly Invitae), Labcorp
Classification: Uncertain significance. Last evaluated: 2026-01-14. Review status: criteria provided, single submitter. Criteria: Invitae Variant Classification Sherloc (09022015). Collection method: clinical testing. Allele origin: germline.
Comment: This sequence change replaces serine, which is neutral and polar, with asparagine, which is neutral and polar, at codon 113 of the CFI protein (p.Ser113Asn). This variant is present in population databases (rs150610189, gnomAD 0.02%). This variant has not been reported in the literature in individuals affected with CFI-related conditions. ClinVar contains an entry for this variant (Variation ID: 1413318). Invitae Evidence Modeling of protein sequence and biophysical properties (such as structural, functional, and spatial information, amino acid conservation, physicochemical variation, residue mobility, and thermodynamic stability) indicates that this missense variant is not expected to disrupt CFI protein function with a negative predictive value of 80%. In summary, the available evidence is currently insufficient to determine the role of this variant in disease. Therefore, it has been classified as a Variant of Uncertain Significance.

Genomenon, Inc
Classification: Uncertain significance for Atypical hemolytic-uremic syndrome. Last evaluated: 2025-09-26. Review status: criteria provided, single submitter. Criteria: Genomenon Sequence Variant Interpretation Standards - Updated. Collection method: curation. Allele origin: germline. Affected: yes.
Comment: CFI p.Ser113Asn (c.338G>A) is a missense variant that changes the amino acid at residue 113 from Serine to Asparagine. This variant has been observed in at least one proband affected with atypical hemolytic-uremic syndrome (PMID:35619721). It is absent or not present at a significant frequency in gnomAD. In silico models agree that this variant is not damaging. In conclusion, we classify CFI p.Ser113Asn (c.338G>A) as a variant of unknown significance.

Fulgent Genetics
Classification: Uncertain significance for Factor I deficiency; Atypical hemolytic-uremic syndrome with I factor anomaly; Age related macular degeneration 13. Last evaluated: 2021-09-15. Review status: criteria provided, single submitter. Criteria: ACMG Guidelines, 2015. Collection method: clinical testing. Allele origin: unknown.

Genome Diagnostics Laboratory, The Hospital for Sick Children
Classification: Uncertain significance for Atypical hemolytic-uremic syndrome. Last evaluated: 2021-03-08. Review status: criteria provided, single submitter. Criteria: ACMG Guidelines, 2015. Collection method: clinical testing. Allele origin: germline.

Literature cited by the submitters: PubMed 35619721 (cited by Genomenon, Inc).